The following is an entry in ClinVar:

ClinVar aggregate classification (germline): Benign/Likely benign. Review status: criteria provided, multiple submitters, no conflicts (2 of 4 stars). 6 submissions from 6 submitters: Benign (1); Likely benign (5). Last evaluated 2026-01-05.

Conditions:
CEACAM16-related disorder. Also called: CEACAM16-related condition.

Allele frequency attached by ClinVar (database versions not stated): gnomAD 0.00031 and 0.00034; TOPMed 0.00034; gnomAD exomes 0.00046 and 0.00057; 1000 Genomes Project 30x 0.00016; 1000 Genomes Project 0.00020; ExAC 0.00052; ESP Exome Variant Server 0.00063.
gnomAD v4.1: 866 of 1,613,942 alleles (0.054%); highest among the groups gnomAD compares: Non-Finnish European, 0.065%; no homozygotes.

Submissions (6):

Labcorp Genetics (formerly Invitae), Labcorp
Classification: Benign. Last evaluated: 2026-01-05. Review status: criteria provided, single submitter. Criteria: Invitae Variant Classification Sherloc (09022015). Collection method: clinical testing. Allele origin: germline.

PreventionGenetics, part of Exact Sciences
Classification: Likely benign for CEACAM16-related condition. Last evaluated: 2024-12-04. Review status: criteria provided, single submitter. Criteria: ACMG Guidelines, 2015. Collection method: clinical testing. Allele origin: germline.
Comment: This variant is classified as likely benign based on ACMG/AMP sequence variant interpretation guidelines (Richards et al. 2015 PMID: 25741868, with internal and published modifications).

Blueprint Genetics
Classification: Likely benign. Last evaluated: 2024-11-28. Review status: criteria provided, single submitter. Criteria: ACMG Guidelines, 2015. Collection method: clinical testing. Allele origin: germline.

CeGaT Center for Human Genetics Tuebingen
Classification: Likely benign. Last evaluated: 2024-11-01. Review status: criteria provided, single submitter. Criteria: CeGaT Center For Human Genetics Tuebingen Variant Classification Criteria Version 2. Collection method: clinical testing. Allele origin: germline. Affected: yes. Observed: 4 variant alleles.
Comment: CEACAM16: BP4, BP7

GeneDx
Classification: Likely benign. Last evaluated: 2021-05-04. Review status: criteria provided, single submitter. Criteria: GeneDx Variant Classification Process June 2021. Collection method: clinical testing. Allele origin: germline. Affected: yes.

Breakthrough Genomics
Classification: Likely benign. Review status: criteria provided, single submitter. Criteria: ACMG Guidelines, 2015. Collection method: not provided. Allele origin: germline. Inheritance: Autosomal recessive inheritance. Affected: yes.

NM_001039213.4(CEACAM16):c.885G>A (p.Ala295=)

Genes: CEACAM16-AS1 (CEACAM16, CEACAM19 and PVR antisense RNA 1; minus strand), CEACAM16 (CEA cell adhesion molecule 16, tectorial membrane component; plus strand). Cytogenetic location: 19q13.32.
Variant type: single nucleotide variant.
Coding change: c.885G>A on transcript NM_001039213.4 (MANE Select); coding-DNA position 885, G replaced by A.
Protein change: p.Ala295=; no amino-acid change (alanine 295 retained).
Molecular consequence: synonymous variant.
Genome position (GRCh38, 1-based): chr19:44,705,813, G>A. VCF-style: chr19-44705813-G-A. GRCh37 (hg19) VCF-style: chr19-45209083-G-A.
Identifiers: ClinVar variation 1198280 (VCV001198280.33), dbSNP rs374698222, ClinGen allele CA9503166.